The following is an entry in ClinVar:

ClinVar aggregate classification (germline): Uncertain significance (1 of 4 stars; one submission).

Conditions:
Inborn genetic diseases. Identifiers: MedGen C0950123, MeSH D030342.

Submission:

Ambry Genetics
Classification: Uncertain significance for Inborn genetic diseases. Last evaluated: 2026-09-13. Review status: criteria provided, single submitter. Criteria: Ambry Variant Classification Scheme 2023. Collection method: clinical testing. Allele origin: germline.
Comment: The p.S837P variant (also known as c.2509T>C), located in coding exon 21 of the DNMT3A gene, results from a T to C substitution at nucleotide position 2509. The serine at codon 837 is replaced by proline, an amino acid with similar properties. This amino acid position is conserved. In addition, this alteration is predicted to be deleterious by in silico analysis. Based on the available evidence, the clinical significance of this variant remains unclear.

NM_022552.5(DNMT3A):c.2509T>C (p.Ser837Pro)

Gene: DNMT3A (DNA methyltransferase 3 alpha; minus strand). Cytogenetic location: 2p23.3.
Variant type: single nucleotide variant.
Coding change: c.2509T>C on transcript NM_022552.5 (MANE Select); coding-DNA position 2509, T replaced by C.
Protein change: p.Ser837Pro; replaces serine 837 with proline.
Molecular consequence: missense variant. On other transcripts: non-coding transcript variant (1).
Genome position (GRCh38, 1-based): chr2:25,235,795, A>G on the plus strand (T>C on the coding strand, the complement: DNMT3A is on the minus strand). VCF-style: chr2-25235795-A-G. GRCh37 (hg19) VCF-style: chr2-25458664-A-G.
Other names: c.1942T>C, p.Ser648Pro (NM_153759.3); c.2509T>C, p.Ser837Pro (NM_175629.2); c.2053T>C, p.Ser685Pro (NM_001320893.1); c.1840T>C, p.Ser614Pro (NM_001375819.1); short protein forms S614P, S648P, S685P, S837P.
Identifiers: ClinVar variation 5035538 (VCV005035538.1).